The following is an entry in ClinVar:

ClinVar aggregate classification (germline): Uncertain significance (1 of 4 stars; one submission).

Conditions:
Baller-Gerold syndrome (BGS). Also called: CRANIOSYNOSTOSIS WITH RADIAL DEFECTS. Identifiers: Orphanet 1225, MedGen C0265308, MONDO:0009039, OMIM 218600.

Allele frequency attached by ClinVar (database versions not stated): gnomAD exomes below 0.00001; ExAC 0.00001; gnomAD 0.00001.
gnomAD v4.1: 7 of 1,610,854 alleles (0.00043%); highest among the groups gnomAD compares: South Asian, 0.0044%; 1 homozygote.

Submission:

Labcorp Genetics (formerly Invitae), Labcorp
Classification: Uncertain significance for Baller-Gerold syndrome. Last evaluated: 2022-08-10. Review status: criteria provided, single submitter. Criteria: Invitae Variant Classification Sherloc (09022015). Collection method: clinical testing. Allele origin: germline.
Comment: This variant is present in population databases (rs755845445, gnomAD 0.007%). In summary, the available evidence is currently insufficient to determine the role of this variant in disease. Therefore, it has been classified as a Variant of Uncertain Significance. Experimental studies and prediction algorithms are not available or were not evaluated, and the functional significance of this variant is currently unknown. This variant has not been reported in the literature in individuals affected with RECQL4-related conditions. This sequence change replaces glycine, which is neutral and non-polar, with valine, which is neutral and non-polar, at codon 1128 of the RECQL4 protein (p.Gly1128Val).

NM_004260.4(RECQL4):c.3383G>T (p.Gly1128Val)

Gene: RECQL4 (RecQ like helicase 4; minus strand). Cytogenetic location: 8q24.3.
Variant type: single nucleotide variant.
Coding change: c.3383G>T on transcript NM_004260.4 (MANE Select); coding-DNA position 3383, G replaced by T.
Protein change: p.Gly1128Val; replaces glycine 1128 with valine.
Molecular consequence: missense variant.
Genome position (GRCh38, 1-based): chr8:144,511,921, C>A on the plus strand (G>T on the coding strand, the complement: RECQL4 is on the minus strand). VCF-style: chr8-144511921-C-A. GRCh37 (hg19) VCF-style: chr8-145737304-C-A.
Other names: c.2246G>T, p.Gly749Val (NM_001413032.1, NM_001413027.1, NM_001413030.1); c.3251G>T, p.Gly1084Val (NM_001413033.1); c.2312G>T, p.Gly771Val (NM_001413034.1, NM_001413035.1, NM_001413040.1 and 4 more transcripts); c.3383G>T, p.Gly1128Val (NM_001413036.1); c.2180G>T, p.Gly727Val (NM_001413037.1); c.2114G>T, p.Gly705Val (NM_001413038.1, NM_001413031.1); c.3353G>T, p.Gly1118Val (NM_001413039.1); c.2321G>T, p.Gly774Val (NM_001413041.1); and 9 more; short protein forms G1084V, G1085V, G1096V, G774V, G1062V, G1118V, G1128V, G771V.
Identifiers: ClinVar variation 2195651 (VCV002195651.4), dbSNP rs755845445, ClinGen allele CA4947795.